The following is an entry in ClinVar:

ClinVar aggregate classification (germline): Benign/Likely benign. Review status: criteria provided, multiple submitters, no conflicts (2 of 4 stars). 9 submissions from 9 submitters: Benign (1); Likely benign (7). 1 of the submissions does not count toward it. Last evaluated 2026-08-01.

Conditions:
Familial cold autoinflammatory syndrome 1 (FCAS1). Also called: Familial cold inflammatory syndrome 1; CRYOPYRIN-ASSOCIATED PERIODIC SYNDROME 1. Identifiers: Orphanet 47045, MedGen C4551895, MONDO:0007349, OMIM 120100.
Keratitis fugax hereditaria. Also called: KERATOENDOTHELIITIS FUGAX HEREDITARIA. Identifiers: Orphanet 647815, MedGen C1835697, MONDO:0007849, OMIM 148200.
Hearing loss, autosomal dominant 34, with or without inflammation. Also called: DEAFNESS, AUTOSOMAL DOMINANT 34, WITH OR WITHOUT INFLAMMATION. Identifiers: MedGen C4521680, MONDO:0033261, OMIM 617772.
Chronic infantile neurological, cutaneous and articular syndrome (CINCA). Also called: CHRONIC NEUROLOGIC CUTANEOUS AND ARTICULAR SYNDROME; CINCA syndrome; CRYOPYRIN-ASSOCIATED PERIODIC SYNDROME 3; Prieur Griscelli syndrome. Identifiers: Orphanet 1451, MedGen C0409818, MONDO:0011776, OMIM 607115.
Familial amyloid nephropathy with urticaria AND deafness (MWS). Also called: MUCKLE-WELLS SYNDROME; CRYOPYRIN-ASSOCIATED PERIODIC SYNDROME 2; Urticaria, deafness and amyloidosis; UDA SYNDROME; URTICARIA-DEAFNESS-AMYLOIDOSIS SYNDROME. Identifiers: Orphanet 575, MedGen C0268390, MONDO:0008633, OMIM 191900.
NLRP3-related disorder. Also called: NLRP3-related condition; NLRP3-Related Disorders.
Cryopyrin associated periodic syndrome (CAPS). Identifiers: Orphanet 208650, MedGen C2316212, MONDO:0016168.
Autoinflammatory syndrome. Identifiers: Orphanet 93665, MedGen C3890737, MONDO:0019751.

Allele frequency attached by ClinVar (database versions not stated): ESP Exome Variant Server 0.00023; TOPMed 0.00025; gnomAD 0.00027 and 0.00029; ExAC 0.00034.
gnomAD v4.1: 624 of 1,608,102 alleles (0.039%); highest among the groups gnomAD compares: Non-Finnish European, 0.048%; no homozygotes.

Submissions (9):

CeGaT Center for Human Genetics Tuebingen
Classification: Likely benign. Last evaluated: 2026-08-01. Review status: criteria provided, single submitter. Criteria: CeGaT Center For Human Genetics Tuebingen Variant Classification Criteria Version 2. Collection method: clinical testing. Allele origin: germline. Affected: yes. Observed: 8 variant alleles.
Comment: NLRP3: BP4, BP7

Labcorp Genetics (formerly Invitae), Labcorp
Classification: Likely benign for Cryopyrin associated periodic syndrome. Last evaluated: 2026-01-20. Review status: criteria provided, single submitter. Criteria: Invitae Variant Classification Sherloc (09022015). Collection method: clinical testing. Allele origin: germline.

Laboratory of Genetics, Children's Clinical University Hospital Latvia
Classification: Likely benign. Last evaluated: 2025-02-16. Review status: criteria provided, single submitter. Criteria: ACMG Guidelines, 2015. Collection method: clinical testing. Allele origin: germline. Affected: yes.

Blueprint Genetics
Classification: Likely benign. Last evaluated: 2024-11-25. Review status: criteria provided, single submitter. Criteria: ACMG Guidelines, 2015. Collection method: clinical testing. Allele origin: germline.

Fulgent Genetics
Classification: Likely benign for Familial cold autoinflammatory syndrome 1; Keratitis fugax hereditaria; Familial amyloid nephropathy with urticaria AND deafness; Chronic infantile neurological, cutaneous and articular syndrome; Hearing loss, autosomal dominant 34, with or without inflammation. Last evaluated: 2021-12-29. Review status: criteria provided, single submitter. Criteria: ACMG Guidelines, 2015. Collection method: clinical testing. Allele origin: unknown.

Genome Diagnostics Laboratory, The Hospital for Sick Children
Classification: Likely benign for Autoinflammatory syndrome. Last evaluated: 2020-02-01. Review status: criteria provided, single submitter. Criteria: ACMG Guidelines, 2015. Collection method: clinical testing. Allele origin: germline. Affected: yes.

ARUP Laboratories, Molecular Genetics and Genomics, ARUP Laboratories
Classification: Likely benign. Last evaluated: 2017-06-30. Review status: criteria provided, single submitter. Criteria: ARUP Molecular Germline Variant Investigation Process. Collection method: clinical testing. Allele origin: germline.
Comment: The NLRP3 c.1407C>T;p.Leu469Leu variant is not described in the medical literature or in gene-specific databases. The variant is listed in the ClinVar database (Variation ID: 138531) and the dbSNP variant database (rs141637807) with an allele frequency of 0.0231 percent (3/13003 alleles) in the Exome Variant Server and 0.03269 percent (89/27224 alleles) in the Genome Aggregation Database. The nucleotide at this position is weakly conserved across species and computational algorithms (SpliceSiteFinder-like, MaxEntScan, NNSplice, GeneSplicer, Human Splicing Finder) predict this variant does not change splicing. Considering available information, this variant is classified as likely benign.

GeneDx
Classification: Benign. Last evaluated: 2014-02-16. Review status: criteria provided, single submitter. Criteria: GeneDx Variant Classification (06012015). Collection method: clinical testing. Allele origin: germline. Affected: yes.
Comment: This variant is considered likely benign or benign based on one or more of the following criteria: it is a conservative change, it occurs at a poorly conserved position in the protein, it is predicted to be benign by multiple in silico algorithms, and/or has population frequency not consistent with disease.

PreventionGenetics, part of Exact Sciences
Classification: Likely benign for NLRP3-related condition. Last evaluated: 2020-02-10. Review status: no assertion criteria provided. Collection method: clinical testing. Allele origin: germline. Not counted in ClinVar's aggregate classification.
Comment: This variant is classified as likely benign based on ACMG/AMP sequence variant interpretation guidelines (Richards et al. 2015 PMID: 25741868, with internal and published modifications).

NM_001243133.2(NLRP3):c.1401C>T (p.Leu467=)

Gene: NLRP3 (NLR family pyrin domain containing 3; plus strand). Cytogenetic location: 1q44.
Variant type: single nucleotide variant.
Coding change: c.1401C>T on transcript NM_001243133.2 (MANE Select); coding-DNA position 1401, C replaced by T.
Protein change: p.Leu467=; no amino-acid change (leucine 467 retained).
Molecular consequence: synonymous variant.
Genome position (GRCh38, 1-based): chr1:247,424,850, C>T. VCF-style: chr1-247424850-C-T. GRCh37 (hg19) VCF-style: chr1-247588152-C-T.
Other names: p.L469L:CTC>CTT; c.1401C>T, p.Leu467= (NM_001079821.3, NM_001127461.3, NM_001127462.3 and 1 more transcripts); c.1407C>T, p.Leu469= (NM_004895.5).
Identifiers: ClinVar variation 138531 (VCV000138531.65), dbSNP rs141637807, ClinGen allele CA292564.
Genomic context (GRCh38, chr1:247,424,850, plus strand): 5'-TTTGCTGCAGCCCCGGGGAGGGAGCCAGGAGCACGGCCTCTGCGCCCACCTCTGGGGGCT[C>T]TGCTCTTTGGCTGCAGATGGAATCTGGAACCAGAAAATCCTGTTTGAGGAGTCCGACCTC-3'
Protein context (NP_001230062.1, residues 457-477): EHGLCAHLWG[Leu467=]CSLAADGIWN